The following is an entry in ClinVar:

NM_014727.3(KMT2B):c.7551-3C>T

Gene: KMT2B (lysine methyltransferase 2B; plus strand). Cytogenetic location: 19q13.12.
Variant type: single nucleotide variant.
Coding change: c.7551-3C>T on transcript NM_014727.3 (MANE Select); 3 bases into the intron before coding-DNA position 7551, C replaced by T.
Molecular consequence: intron variant.
Genome position (GRCh38, 1-based): chr19:35,737,633, C>T. VCF-style: chr19-35737633-C-T. GRCh37 (hg19) VCF-style: chr19-36228534-C-T.
Identifiers: ClinVar variation 4798154 (VCV004798154.1).
Genomic context (GRCh38, chr19:35,737,633, plus strand): 5'-CCCATTTCCCTGTTAGCTCTGTCTTCAACAGTATATTCCTCCTTCCCCTGCTGCCACCTG[C>T]AGGAAGTGCACCTTTGACATGTTCAACTTCCTGGCCTCCCAGCACCGGGTGCTCCCTGAG-3'

ClinVar aggregate classification (germline): Uncertain significance (1 of 4 stars; one submission).

gnomAD v4.1: 1 of 1,550,984 alleles (0.000064%); no homozygotes.

Submission:

Labcorp Genetics (formerly Invitae), Labcorp
Classification: Uncertain significance. Last evaluated: 2025-07-28. Review status: criteria provided, single submitter. Criteria: Invitae Variant Classification Sherloc (09022015). Collection method: clinical testing. Allele origin: germline.
Comment: This sequence change falls in intron 33 of the KMT2B gene. It does not directly change the encoded amino acid sequence of the KMT2B protein. It affects a nucleotide within the consensus splice site. This variant is not present in population databases (gnomAD no frequency). This variant has not been reported in the literature in individuals affected with KMT2B-related conditions. Variants that disrupt the consensus splice site are a relatively common cause of aberrant splicing (PMID: 17576681, 9536098). Algorithms developed to predict the effect of sequence changes on RNA splicing suggest that this variant is not likely to affect RNA splicing. In summary, the available evidence is currently insufficient to determine the role of this variant in disease. Therefore, it has been classified as a Variant of Uncertain Significance.

Literature cited by the submitters: PubMed 17576681; PubMed 9536098.